The following is an entry in ClinVar:

NM_025114.4(CEP290):c.6003G>A (p.Leu2001=)

Gene: CEP290 (centrosomal protein 290; minus strand). Cytogenetic location: 12q21.32.
Variant type: single nucleotide variant.
Coding change: c.6003G>A on transcript NM_025114.4 (MANE Select); coding-DNA position 6003, G replaced by A.
Protein change: p.Leu2001=; no amino-acid change (leucine 2001 retained).
Molecular consequence: synonymous variant.
Genome position (GRCh38, 1-based): chr12:88,071,302, C>T on the plus strand (G>A on the coding strand, the complement: CEP290 is on the minus strand). VCF-style: chr12-88071302-C-T. GRCh37 (hg19) VCF-style: chr12-88465079-C-T.
Other names: c.6003G>A (NM_025114.3).
Identifiers: ClinVar variation 1131240 (VCV001131240.11), dbSNP rs2035355059, ClinGen allele CA481071911.
Genomic context (GRCh38, chr12:88,071,302, plus strand): 5'-GTCAACCAGTTTTTCATTACAATGGGTGGCACATTTCCACATAATAGCTTACCTCATATA[C>T]AATATATCATTTTCTAAGTCAAGATTTCTCTTTTTTAATTCTTCCAATTCTTTTTCTGAC-3'
Protein context (NP_079390.3, residues 1991-2011): KRNLDLENDI[Leu2001=]YMRAHQALPR

ClinVar aggregate classification (germline): Likely benign. Review status: criteria provided, single submitter (1 of 4 stars). 3 submissions from 3 submitters: Likely benign (1). 2 of the submissions do not count toward it. Last evaluated 2024-02-17.

Conditions:
CEP290-related disorder. Also called: CEP290-related disorders; CEP290-related condition. Identifiers: MedGen CN239314.
Joubert syndrome. Also called: CEREBELLOPARENCHYMAL DISORDER IV; JOUBERT-BOLTSHAUSER SYNDROME; Familial aplasia of the vermis. Identifiers: Orphanet 475, MedGen C5979921, MONDO:0018772.
Nephronophthisis. Also called: Juvenile Nephronophthisis. Identifiers: Orphanet 655, MedGen C0687120, MONDO:0019005, HP:0000090.
Meckel-Gruber syndrome. Also called: DYSENCEPHALIA SPLANCHNOCYSTICA; GRUBER SYNDROME; Dysencephalia splachnocystica. Identifiers: Orphanet 564, MedGen C0265215, MONDO:0018921.
Leber congenital amaurosis (LCA). Also called: Leber's amaurosis. Identifiers: Orphanet 65, MedGen C0339527, MeSH D057130, MONDO:0018998.

Allele frequency attached by ClinVar (database versions not stated): gnomAD exomes below 0.00001; gnomAD 0.00001.
gnomAD v4.1: 2 of 1,603,232 alleles (0.00012%); highest among the groups gnomAD compares: East Asian, 0.0022%; no homozygotes.

Submissions (3):

Labcorp Genetics (formerly Invitae), Labcorp
Classification: Likely benign for Joubert syndrome; Meckel-Gruber syndrome; Nephronophthisis. Last evaluated: 2024-02-17. Review status: criteria provided, single submitter. Criteria: Invitae Variant Classification Sherloc (09022015). Collection method: clinical testing. Allele origin: germline.

Natera, Inc.
Classification: Likely benign for Leber congenital amaurosis. Last evaluated: 2025-03-10. Review status: no assertion criteria provided. Collection method: clinical testing. Allele origin: germline. Not counted in ClinVar's aggregate classification.

PreventionGenetics, part of Exact Sciences
Classification: Likely benign for CEP290-related condition. Last evaluated: 2022-10-05. Review status: no assertion criteria provided. Collection method: clinical testing. Allele origin: germline. Not counted in ClinVar's aggregate classification.
Comment: This variant is classified as likely benign based on ACMG/AMP sequence variant interpretation guidelines (Richards et al. 2015 PMID: 25741868, with internal and published modifications).